The following is an entry in ClinVar:

ClinVar aggregate classification (germline): Conflicting classifications of pathogenicity. Review status: criteria provided, conflicting classifications (1 of 4 stars). 5 submissions from 4 submitters: Uncertain significance (1); Benign (3); Likely benign (1). Last evaluated 2026-02-04.

Conditions:
Thrombophilia due to thrombin defect (THPH1). Also called: Thrombosis susceptibility; THROMBOPHILIA DUE TO FACTOR 2 DEFECT; Prothrombin-Related Thrombophilia (Factor II); Prothrombin Thrombophilia. Identifiers: MedGen C3160733, MONDO:0008559, OMIM 188050. Disease mechanism: gain of function, loss of function.
Congenital prothrombin deficiency. Also called: Hereditary factor II deficiency disease; Inherited hypoprothrombinemia; Congenital factor II deficiency; Inherited prothrombin deficiency; Factor II deficiency; HYPOPROTHROMBINEMIA. Identifiers: Orphanet 325, MedGen C0272317, MONDO:0013361, OMIM 613679.

Allele frequency attached by ClinVar (database versions not stated): 1000 Genomes Project 30x 0.00671; 1000 Genomes Project 0.00739; TOPMed 0.01466; gnomAD 0.01534 and 0.01567; gnomAD exomes 0.01556 and 0.02087; ExAC 0.01612; ESP Exome Variant Server 0.01738.
gnomAD v4.1: 32,653 of 1,613,962 alleles (2%); highest among the groups gnomAD compares: Non-Finnish European, 2.4%; 402 homozygotes.

Submissions (5):

Labcorp Genetics (formerly Invitae), Labcorp
Classification: Benign for Congenital prothrombin deficiency. Last evaluated: 2026-02-04. Review status: criteria provided, single submitter. Criteria: Invitae Variant Classification Sherloc (09022015). Collection method: clinical testing. Allele origin: germline.

Illumina Laboratory Services, Illumina
Classification: Uncertain significance for Thrombophilia due to thrombin defect. Last evaluated: 2018-01-12. Review status: criteria provided, single submitter. Criteria: ICSL Variant Classification Criteria 13 December 2019. Collection method: clinical testing. Allele origin: germline.

Illumina Laboratory Services, Illumina
Classification: Benign for Congenital prothrombin deficiency. Last evaluated: 2018-01-12. Review status: criteria provided, single submitter. Criteria: ICSL Variant Classification Criteria 13 December 2019. Collection method: clinical testing. Allele origin: germline.
Comment: This variant was observed in the ICSL laboratory as part of a predisposition screen in an ostensibly healthy population. It had not been previously curated by ICSL or reported in the Human Gene Mutation Database (HGMD: prior to June 1st, 2018), and was therefore a candidate for classification through an automated scoring system. Utilizing variant allele frequency, disease prevalence and penetrance estimates, and inheritance mode, an automated score was calculated to assess if this variant is too frequent to cause the disease. Based on the score and internal cut-off values, a variant classified as benign is not then subjected to further curation. The score for this variant resulted in a classification of benign for this disease.

Mayo Clinic Laboratories, Mayo Clinic
Classification: Likely benign. Last evaluated: 2016-08-01. Review status: criteria provided, single submitter. Criteria: ACMG Guidelines, 2015. Collection method: clinical testing. Allele origin: germline. Observed: 5 variant alleles.

PreventionGenetics, part of Exact Sciences
Classification: Benign. Review status: criteria provided, single submitter. Criteria: ACMG Guidelines, 2015. Collection method: clinical testing. Allele origin: germline.

NM_000506.5(F2):c.1602G>A (p.Pro534=)

Gene: F2 (coagulation factor II, thrombin; plus strand). Cytogenetic location: 11p11.2.
Variant type: single nucleotide variant.
Coding change: c.1602G>A on transcript NM_000506.5 (MANE Select); coding-DNA position 1602, G replaced by A.
Protein change: p.Pro534=; no amino-acid change (proline 534 retained).
Molecular consequence: synonymous variant.
Genome position (GRCh38, 1-based): chr11:46,729,509, G>A. VCF-style: chr11-46729509-G-A. GRCh37 (hg19) VCF-style: chr11-46751059-G-A.
Other names: p.Pro534=.
Identifiers: ClinVar variation 256313 (VCV000256313.10), dbSNP rs5900, ClinGen allele CA5967326.
Genomic context (GRCh38, chr11:46,729,509, plus strand): 5'-CGTTGGTAAGGGGCAGCCCAGTGTCCTGCAGGTGGTGAACCTGCCCATTGTGGAGCGGCC[G>A]GTCTGCAAGGACTCCACCCGGATCCGCATCACTGACAACATGTTCTGTGCTGGCAAGTCT-3'
Protein context (NP_000497.1, residues 524-544): QVVNLPIVER[Pro534=]VCKDSTRIRI